The following is an entry in ClinVar:

NM_000755.5(CRAT):c.1766T>C (p.Leu589Pro)

Gene: CRAT (carnitine O-acetyltransferase; minus strand). Cytogenetic location: 9q34.11.
Variant type: single nucleotide variant.
Coding change: c.1766T>C on transcript NM_000755.5 (MANE Select); coding-DNA position 1766, T replaced by C.
Protein change: p.Leu589Pro; replaces leucine 589 with proline.
Molecular consequence: missense variant.
Genome position (GRCh38, 1-based): chr9:129,095,512, A>G on the plus strand (T>C on the coding strand, the complement: CRAT is on the minus strand). VCF-style: chr9-129095512-A-G. GRCh37 (hg19) VCF-style: chr9-131857791-A-G.
Other names: c.1703T>C, p.Leu568Pro (NM_001257363.3, NM_004003.4); c.1769T>C, p.Leu590Pro (NM_001346546.2); c.1694T>C, p.Leu565Pro (NM_001346547.2); c.1631T>C, p.Leu544Pro (NM_001346548.2); c.1646T>C, p.Leu549Pro (NM_001346549.2); short protein forms L568P, L544P, L549P, L565P, L589P, L590P.
Identifiers: ClinVar variation 3701523 (VCV003701523.2).

ClinVar aggregate classification (germline): Uncertain significance (1 of 4 stars; one submission).

gnomAD v4.1: 8 of 1,613,364 alleles (0.0005%); highest among the groups gnomAD compares: Admixed American, 0.0017%; no homozygotes.

Submission:

Labcorp Genetics (formerly Invitae), Labcorp
Classification: Uncertain significance. Last evaluated: 2024-11-05. Review status: criteria provided, single submitter. Criteria: Invitae Variant Classification Sherloc (09022015). Collection method: clinical testing. Allele origin: germline.
Comment: This sequence change replaces leucine, which is neutral and non-polar, with proline, which is neutral and non-polar, at codon 589 of the CRAT protein (p.Leu589Pro). This variant is present in population databases (rs754702343, gnomAD 0.002%). This variant has not been reported in the literature in individuals affected with CRAT-related conditions. Invitae Evidence Modeling of protein sequence and biophysical properties (such as structural, functional, and spatial information, amino acid conservation, physicochemical variation, residue mobility, and thermodynamic stability) indicates that this missense variant is not expected to disrupt CRAT protein function with a negative predictive value of 80%. In summary, the available evidence is currently insufficient to determine the role of this variant in disease. Therefore, it has been classified as a Variant of Uncertain Significance.